The following is an entry in ClinVar:

NM_007294.4(BRCA1):c.5335C>T (p.Gln1779Ter)

Gene: BRCA1 (BRCA1 DNA repair associated; minus strand). Cytogenetic location: 17q21.31.
Variant type: single nucleotide variant.
Coding change: c.5335C>T on transcript NM_007294.4 (MANE Select); coding-DNA position 5335, C replaced by T.
Protein change: p.Gln1779Ter; replaces glutamine 1779 with a stop codon.
Molecular consequence: nonsense. On other transcripts: non-coding transcript variant (1), intron variant (1).
Genome position (GRCh38, 1-based): chr17:43,049,192, G>A on the plus strand (C>T on the coding strand, the complement: BRCA1 is on the minus strand). VCF-style: chr17-43049192-G-A. GRCh37 (hg19) VCF-style: chr17-41201209-G-A.
Other names: 5454C>T; c.5194C>T, p.Gln1732Ter (NM_001407694.1, NM_001407695.1, NM_001407696.1 and 12 more transcripts); c.5188C>T, p.Gln1730Ter (NM_001407843.1, NM_001407844.1, NM_001407845.1 and 12 more transcripts); c.1897C>T, p.Gln633Ter (NM_001408447.1, NM_001408448.1, NM_001408450.1 and 2 more transcripts); c.1891C>T, p.Gln631Ter (NM_001408451.1); c.1885C>T, p.Gln629Ter (NM_001408452.1, NM_001408453.1, NM_001408454.1 and 3 more transcripts); c.5332C>T, p.Gln1778Ter (NM_001407613.1, NM_001407614.1, NM_001407615.1 and 14 more transcripts); c.5329C>T, p.Gln1777Ter (NM_001407632.1, NM_001407633.1, NM_001407634.1 and 13 more transcripts); and 74 more; short protein forms Q1779*, Q1732*, Q675*, Q1800*, Q1482*, Q1708*, Q1738*, Q1752*.
Identifiers: ClinVar variation 55540 (VCV000055540.24), dbSNP rs397509267, ClinGen allele CA003506.

ClinVar aggregate classification (germline): Pathogenic. Review status: reviewed by expert panel (3 of 4 stars). 7 submissions from 7 submitters: Pathogenic (1). 6 of the submissions do not count toward it. Last evaluated 2016-10-18.

Conditions:
Hereditary cancer-predisposing syndrome. Also called: Hereditary Cancer Syndrome; Hereditary neoplastic syndrome; Neoplastic Syndromes, Hereditary; Tumor predisposition. Identifiers: Orphanet 140162, MedGen C0027672, MeSH D009386, MONDO:0015356.
Inherited breast cancer and ovarian cancer.
Breast-ovarian cancer, familial, susceptibility to, 1 (BROVCA1). Also called: BRCA1 Hereditary Breast and Ovarian Cancer; OVARIAN CANCER, SUSCEPTIBILITY TO. Identifiers: Orphanet 145, MedGen C2676676, MONDO:0011450, OMIM 604370. Disease mechanism: loss of function.
Hereditary breast ovarian cancer syndrome. Also called: BRCA1- and BRCA2-Associated Hereditary Breast and Ovarian Cancer; Hereditary breast and ovarian cancer syndrome; Hereditary breast and ovarian cancer syndrome (HBOC); Breast and ovarian cancer; Hereditary breast and/or ovarian cancer syndrome; Hereditary breast and ovarian cancer. Identifiers: Orphanet 145, MedGen C0677776, MeSH D061325, MONDO:0003582. Disease mechanism: loss of function.

gnomAD v4.1: 1 of 1,613,788 alleles (0.000062%); highest among the groups gnomAD compares: Non-Finnish European, 0.000085%; no homozygotes.

Submissions (8):

Evidence-based Network for the Interpretation of Germline Mutant Alleles (ENIGMA)
Classification: Pathogenic for Breast-ovarian cancer, familial, susceptibility to, 1. Last evaluated: 2016-10-18. Review status: reviewed by expert panel. Criteria: ENIGMA BRCA1/2 Classification Criteria (2015). Collection method: curation. Allele origin: germline.
Comment: Variant allele predicted to encode a truncated non-functional protein.

Genetics Laboratory, Great Ormond Street Hospital NHS Foundation Trust, North Thames Genomic Laboratory Hub
Classification: Pathogenic for Inherited breast cancer and ovarian cancer. Last evaluated: 2025-11-18. Review status: criteria provided, single submitter. Criteria: CanVIG BRCA Gene Specific V1.22. Collection method: clinical testing. Allele origin: germline. Affected: yes. Not counted in ClinVar's aggregate classification.
Comment: PM2_supporting, PVS1_very-strong, PM5_strong

Labcorp Genetics (formerly Invitae), Labcorp
Classification: Pathogenic for Hereditary breast ovarian cancer syndrome. Last evaluated: 2023-09-08. Review status: criteria provided, single submitter. Criteria: Invitae Variant Classification Sherloc (09022015). Collection method: clinical testing. Allele origin: germline. Not counted in ClinVar's aggregate classification.
Comment: This sequence change creates a premature translational stop signal (p.Gln1779*) in the BRCA1 gene. It is expected to result in an absent or disrupted protein product. Loss-of-function variants in BRCA1 are known to be pathogenic (PMID: 20104584). This variant is not present in population databases (gnomAD no frequency). This premature translational stop signal has been observed in individual(s) with breast cancer (PMID: 22366370). ClinVar contains an entry for this variant (Variation ID: 55540). For these reasons, this variant has been classified as Pathogenic.

GeneDx
Classification: Pathogenic. Last evaluated: 2022-11-30. Review status: criteria provided, single submitter. Criteria: GeneDx Variant Classification Process June 2021. Collection method: clinical testing. Allele origin: germline. Affected: yes. Not counted in ClinVar's aggregate classification.
Comment: Nonsense variant predicted to result in protein truncation or nonsense mediated decay in a gene for which loss of function is a known mechanism of disease; Not observed at significant frequency in large population cohorts (gnomAD); Observed in individuals with breast cancer (Levanat et al., 2012); Published functional studies demonstrate a damaging effect: variant classified as non-functional based on a saturation genome editing (SGE) assay measuring cell survival (Findlay et al., 2018); Truncating variants in this gene are considered pathogenic by a well-established clinical consortium and/or database; Also known as 5454C>T; This variant is associated with the following publications: (PMID: 31589614, 29446198, 33087929, 29884841, 30209399, 32377563, 22366370)

Ambry Genetics
Classification: Pathogenic for Hereditary cancer-predisposing syndrome. Last evaluated: 2022-05-27. Review status: criteria provided, single submitter. Criteria: Ambry Variant Classification Scheme 2023. Collection method: clinical testing. Allele origin: germline. Not counted in ClinVar's aggregate classification.
Comment: The c.5335C>T (p.Q1779*) alteration, located in exon 21 (coding exon 20) of the BRCA1 gene, consists of a C to T substitution at nucleotide position 5335. This changes the amino acid from a glutamine (Q) to a stop codon at amino acid position 1779. This alteration is expected to result in loss of function by premature protein truncation or nonsense-mediated mRNA decay. This variant was not reported in population-based cohorts in the Genome Aggregation Database (gnomAD). This alteration has been reported in multiple individuals diagnosed with early-onset breast cancer (Levanat, 2012). One functional study found that this nucleotide substitution is deleterious in a high throughput genome editing haploid cell survival assay (Findlay, 2018). Based on the available evidence, this alteration is classified as pathogenic.

Laboratory for Molecular Medicine, Mass General Brigham Personalized Medicine
Classification: Pathogenic for Hereditary breast ovarian cancer syndrome. Last evaluated: 2019-10-14. Review status: criteria provided, single submitter. Criteria: ACMG Guidelines, 2015. Collection method: clinical testing. Allele origin: germline. Not counted in ClinVar's aggregate classification.
Comment: The p.Gln1779X variant in BRCA1 has been reported in 2 siblings with early-onset breast cancer (Levanat 2012). It was absent from large population studies. This variant leads to a premature termination codon at position 1779, which is predicted to lead to a truncated or absent protein. Loss of function of the BRCA1 gene is an established disease mechanism in autosomal dominant hereditary breast and ovarian cancer syndrome (HBOC). In vitro functional studies support an impact on protein function (Findlay 2018). This variant was classified as Pathogenic on Oct 18, 2016 by the ClinGen-approved ENIGMA expert panel (Variation ID: 55540). In summary, this variant meets criteria to be classified as pathogenic for autosomal dominant HBOC. ACMG/AMP Criteria applied: PVS1, PM2, PS3_Moderate.

Consortium of Investigators of Modifiers of BRCA1/2 (CIMBA), c/o University of Cambridge
Classification: Pathogenic for Breast-ovarian cancer, familial, susceptibility to, 1. Last evaluated: 2015-10-02. Review status: criteria provided, single submitter. Criteria: CIMBA Mutation Classification guidelines May 2016. Collection method: clinical testing. Allele origin: germline. Not counted in ClinVar's aggregate classification.

Brotman Baty Institute, University of Washington
No classification provided (evidence only). Condition: Breast-ovarian cancer, familial 1. Review status: no classification provided. Collection method: in vitro. Allele origin: not applicable. Functional consequence: functionally_abnormal. Not counted in ClinVar's aggregate classification.
ClinVar note: "not provided" was previously submitted as the classification for the variant. However, the classification appeared to be based only on an observation of functional data so it was converted to no classification on 2025-07-30.

Literature cited by the submitters: PubMed 20104584 (cited by Labcorp Genetics (formerly Invitae), Labcorp); PubMed 22366370 (cited by 3 submitters); PubMed 30209399 (cited by Ambry Genetics and Laboratory for Molecular Medicine, Mass General Brigham Personalized Medicine).